The following is an entry in ClinVar:

ClinVar aggregate classification (germline): Uncertain significance (1 of 4 stars; one submission).

Conditions:
Peutz-Jeghers syndrome (PJS). Also called: POLYPOSIS, HAMARTOMATOUS INTESTINAL; POLYPS-AND-SPOTS SYNDROME; Peutz-Jeghers polyposis; Periorificial lentiginosis syndrome. Identifiers: Orphanet 2869, MedGen C0031269, MeSH D010580, MONDO:0008280, OMIM 175200.

Submission:

Labcorp Genetics (formerly Invitae), Labcorp
Classification: Uncertain significance for Peutz-Jeghers syndrome. Last evaluated: 2024-07-23. Review status: criteria provided, single submitter. Criteria: Invitae Variant Classification Sherloc (09022015). Collection method: clinical testing. Allele origin: germline.
Comment: This sequence change replaces threonine, which is neutral and polar, with arginine, which is basic and polar, at codon 395 of the STK11 protein (p.Thr395Arg). This variant is not present in population databases (gnomAD no frequency). This variant has not been reported in the literature in individuals affected with STK11-related conditions. Advanced modeling of protein sequence and biophysical properties (such as structural, functional, and spatial information, amino acid conservation, physicochemical variation, residue mobility, and thermodynamic stability) performed at Invitae indicates that this missense variant is not expected to disrupt STK11 protein function with a negative predictive value of 95%. In summary, the available evidence is currently insufficient to determine the role of this variant in disease. Therefore, it has been classified as a Variant of Uncertain Significance.

NM_000455.5(STK11):c.1184C>G (p.Thr395Arg)

Gene: STK11 (serine/threonine kinase 11; plus strand). Cytogenetic location: 19p13.3.
Variant type: single nucleotide variant.
Coding change: c.1184C>G on transcript NM_000455.5 (MANE Select); coding-DNA position 1184, C replaced by G.
Protein change: p.Thr395Arg; replaces threonine 395 with arginine.
Molecular consequence: missense variant. On other transcripts: non-coding transcript variant (1).
Genome position (GRCh38, 1-based): chr19:1,226,529, C>G. VCF-style: chr19-1226529-C-G. GRCh37 (hg19) VCF-style: chr19-1226528-C-G.
Other names: short protein forms T395R.
Identifiers: ClinVar variation 3636789 (VCV003636789.2).